The following is an entry in ClinVar:

NM_001903.5(CTNNA1):c.2542G>T (p.Gly848Cys)

Gene: CTNNA1 (catenin alpha 1; plus strand). Cytogenetic location: 5q31.2.
Variant type: single nucleotide variant.
Coding change: c.2542G>T on transcript NM_001903.5 (MANE Select); coding-DNA position 2542, G replaced by T.
Protein change: p.Gly848Cys; replaces glycine 848 with cysteine.
Molecular consequence: missense variant. On other transcripts: 3 prime UTR variant (5).
Genome position (GRCh38, 1-based): chr5:138,933,910, G>T. VCF-style: chr5-138933910-G-T. GRCh37 (hg19) VCF-style: chr5-138269599-G-T.
Other names: c.*87G>T (NM_001290307.3, NM_001324002.1, NM_001324003.1 and 2 more transcripts); c.2233G>T, p.Gly745Cys (NM_001290309.3); c.2173G>T, p.Gly725Cys (NM_001290310.3); c.1432G>T, p.Gly478Cys (NM_001290312.1, NM_001323987.1, NM_001323988.1 and 12 more transcripts); c.2542G>T, p.Gly848Cys (NM_001323982.2, NM_001323983.1, NM_001323984.2); c.2515G>T, p.Gly839Cys (NM_001323985.2); c.2449G>T, p.Gly817Cys (NM_001323986.2); c.1297G>T, p.Gly433Cys (NM_001324001.1); and 3 more; short protein forms G365C, G478C, G817C, G397C, G433C, G447C, G848C, G725C.
Identifiers: ClinVar variation 1792851 (VCV001792851.2), dbSNP rs1158956721, ClinGen allele CA361135417.
Genomic context (GRCh38, chr5:138,933,910, plus strand): 5'-GCTGTGGTGCAGACAGTGAAGGCATCCTACGTCGCCTCTACCAAATACCAAAAGTCACAG[G>T]GTATGGCTTCCCTCAACCTTCCTGCTGTGTCATGGAAGATGAAGGCACCAGAGAAAAAGC-3'
Protein context (NP_001894.2, residues 838-858): VASTKYQKSQ[Gly848Cys]MASLNLPAVS

ClinVar aggregate classification (germline): Uncertain significance (1 of 4 stars; one submission).

Conditions:
Hereditary cancer-predisposing syndrome. Also called: Tumor predisposition; Hereditary Cancer Syndrome; Neoplastic Syndromes, Hereditary; Hereditary neoplastic syndrome. Identifiers: Orphanet 140162, MedGen C0027672, MeSH D009386, MONDO:0015356.

Submission:

Ambry Genetics
Classification: Uncertain significance for Hereditary cancer-predisposing syndrome. Last evaluated: 2022-01-18. Review status: criteria provided, single submitter. Criteria: Ambry Variant Classification Scheme 2023. Collection method: clinical testing. Allele origin: germline.
Comment: The p.G848C variant (also known as c.2542G>T), located in coding exon 17 of the CTNNA1 gene, results from a G to T substitution at nucleotide position 2542. The glycine at codon 848 is replaced by cysteine, an amino acid with highly dissimilar properties. This amino acid position is conserved. In addition, the in silico prediction for this alteration is inconclusive. Since supporting evidence is limited at this time, the clinical significance of this alteration remains unclear.